The following is an entry in ClinVar:

NM_006947.4(SRP72):c.1048C>T (p.Arg350Cys)

Gene: SRP72 (signal recognition particle 72; plus strand). Cytogenetic location: 4q12.
Variant type: single nucleotide variant.
Coding change: c.1048C>T on transcript NM_006947.4 (MANE Select); coding-DNA position 1048, C replaced by T.
Protein change: p.Arg350Cys; replaces arginine 350 with cysteine.
Molecular consequence: missense variant. On other transcripts: non-coding transcript variant (1).
Genome position (GRCh38, 1-based): chr4:56,484,826, C>T. VCF-style: chr4-56484826-C-T. GRCh37 (hg19) VCF-style: chr4-57350992-C-T.
Other names: c.865C>T, p.Arg289Cys (NM_001267722.2); c.1048C>T (NM_006947.3); short protein forms R289C, R350C.
Identifiers: ClinVar variation 2198430 (VCV002198430.7), dbSNP rs770251024, ClinGen allele CA97602626.
Genomic context (GRCh38, chr4:56,484,826, plus strand): 5'-TTACAGTCCCAAAGTCCCGAGCATCTCTTACCTGTGTTAATCCAAGCTGCCCAGCTCTGC[C>T]GTGAAAAGCAGCACACAAAAGCAATAGAGCTGCTTCAGGTAAAATAATTACTTGAATGAG-3'
Protein context (NP_008878.3, residues 340-360): PVLIQAAQLC[Arg350Cys]EKQHTKAIEL

ClinVar aggregate classification (germline): Uncertain significance. Review status: criteria provided, multiple submitters, no conflicts (2 of 4 stars). 3 submissions from 3 submitters: Uncertain significance (3). Last evaluated 2025-04-15.

gnomAD v4.1: 32 of 1,613,706 alleles (0.002%); highest among the groups gnomAD compares: Non-Finnish European, 0.0024%; no homozygotes.

Submissions (3):

Ambry Genetics
Classification: Uncertain significance. Last evaluated: 2025-04-15. Review status: criteria provided, single submitter. Criteria: Ambry Variant Classification Scheme 2023. Collection method: clinical testing. Allele origin: germline.

Labcorp Genetics (formerly Invitae), Labcorp
Classification: Uncertain significance. Last evaluated: 2025-03-11. Review status: criteria provided, single submitter. Criteria: Invitae Variant Classification Sherloc (09022015). Collection method: clinical testing. Allele origin: germline.
Comment: This sequence change replaces arginine, which is basic and polar, with cysteine, which is neutral and slightly polar, at codon 350 of the SRP72 protein (p.Arg350Cys). This variant is present in population databases (no rsID available, gnomAD 0.0009%). This variant has not been reported in the literature in individuals affected with SRP72-related conditions. ClinVar contains an entry for this variant (Variation ID: 2198430). Invitae Evidence Modeling of protein sequence and biophysical properties (such as structural, functional, and spatial information, amino acid conservation, physicochemical variation, residue mobility, and thermodynamic stability) indicates that this missense variant is expected to disrupt SRP72 protein function with a positive predictive value of 80%. In summary, the available evidence is currently insufficient to determine the role of this variant in disease. Therefore, it has been classified as a Variant of Uncertain Significance.

Blueprint Genetics
Classification: Uncertain significance. Last evaluated: 2022-01-28. Review status: criteria provided, single submitter. Criteria: ACMG Guidelines, 2015. Collection method: clinical testing. Allele origin: germline.